The following is an entry in ClinVar:

NM_201384.3(PLEC):c.4683G>A (p.Arg1561=)

Gene: PLEC (plectin; minus strand). Cytogenetic location: 8q24.3.
Variant type: single nucleotide variant.
Coding change: c.4683G>A on transcript NM_201384.3 (MANE Select); coding-DNA position 4683, G replaced by A.
Protein change: p.Arg1561=; no amino-acid change (arginine 1561 retained).
Molecular consequence: synonymous variant.
Genome position (GRCh38, 1-based): chr8:143,925,246, C>T on the plus strand (G>A on the coding strand, the complement: PLEC is on the minus strand). VCF-style: chr8-143925246-C-T. GRCh37 (hg19) VCF-style: chr8-144999414-C-T.
Other names: c.4764G>A, p.Arg1588= (NM_000445.5); c.4641G>A, p.Arg1547= (NM_201378.4); c.4617G>A, p.Arg1539= (NM_201379.3); c.5094G>A, p.Arg1698= (NM_201380.4); c.4587G>A, p.Arg1529= (NM_201381.3); c.4683G>A, p.Arg1561= (NM_201382.4); c.4695G>A, p.Arg1565= (NM_201383.3); c.4764G>A (NM_000445.4).
Identifiers: ClinVar variation 1086799 (VCV001086799.9), dbSNP rs782728438, ClinGen allele CA4926571.

ClinVar aggregate classification (germline): Likely benign. Review status: criteria provided, single submitter (1 of 4 stars). 2 submissions from 2 submitters: Likely benign (1). 1 of the submissions does not count toward it. Last evaluated 2025-10-22.

Conditions:
Epidermolysis bullosa simplex 5C, with pyloric atresia (EBS5C). Also called: PLEC-Related Epidermolysis Bullosa with Pyloric Atresia; Epidermolysis bullosa simplex with pyloric atresia; PLEC1-Related Epidermolysis Bullosa with Pyloric Atresia. Identifiers: Orphanet 158684, MedGen C2677349, MONDO:0012807, OMIM 612138.
Epidermolysis bullosa simplex with nail dystrophy (EBS5D). Identifiers: MedGen C4225309, MONDO:0014661, OMIM 616487.
Epidermolysis bullosa simplex 5B, with muscular dystrophy (EBS5B). Also called: Epidermolysis bullosa simplex with muscular dystrophy; EPIDERMOLYSIS BULLOSA SIMPLEX AND LIMB-GIRDLE MUSCULAR DYSTROPHY. Identifiers: Orphanet 257, MedGen C2931072, MONDO:0009181, OMIM 226670.
Epidermolysis bullosa simplex, Ogna type (EBS5A). Also called: Pidermolysis bullosa simplex 5A, Ogna type; EPIDERMOLYSIS BULLOSA SIMPLEX 5A, OGNA TYPE. Identifiers: Orphanet 79401, MedGen C0432317, MONDO:0007555, OMIM 131950.
Autosomal recessive limb-girdle muscular dystrophy type 2Q (LGMDR17). Also called: MUSCULAR DYSTROPHY, LIMB-GIRDLE, AUTOSOMAL RECESSIVE 17. Identifiers: Orphanet 254361, MedGen C3150989, MONDO:0013390, OMIM 613723.
PLEC-related disorder. Also called: PLEC-related condition; PLEC-related disorders.

Allele frequency attached by ClinVar (database versions not stated): TOPMed 0.00001; ExAC 0.00003; gnomAD exomes 0.00001.
gnomAD v4.1: 5 of 1,589,380 alleles (0.00031%); highest among the groups gnomAD compares: Non-Finnish European, 0.00043%; no homozygotes.

Submissions (2):

Labcorp Genetics (formerly Invitae), Labcorp
Classification: Likely benign for Autosomal recessive limb-girdle muscular dystrophy type 2Q; Epidermolysis bullosa simplex, Ogna type; Epidermolysis bullosa simplex with nail dystrophy; Epidermolysis bullosa simplex 5C, with pyloric atresia; Epidermolysis bullosa simplex 5B, with muscular dystrophy. Last evaluated: 2025-10-22. Review status: criteria provided, single submitter. Criteria: Invitae Variant Classification Sherloc (09022015). Collection method: clinical testing. Allele origin: germline.

PreventionGenetics, part of Exact Sciences
Classification: Likely benign for PLEC-related condition. Last evaluated: 2022-03-28. Review status: no assertion criteria provided. Collection method: clinical testing. Allele origin: germline. Not counted in ClinVar's aggregate classification.
Comment: This variant is classified as likely benign based on ACMG/AMP sequence variant interpretation guidelines (Richards et al. 2015 PMID: 25741868, with internal and published modifications).